The following is an entry in ClinVar:

ClinVar aggregate classification (germline): Uncertain significance (1 of 4 stars; one submission).

Submission:

Women's Health and Genetics/Laboratory Corporation of America, LabCorp
Classification: Uncertain significance. Last evaluated: 2024-10-25. Review status: criteria provided, single submitter. Criteria: LabCorp Variant Classification Summary - May 2015. Collection method: clinical testing. Allele origin: germline.
Comment: Variant summary: ANKRD11 c.7987G>A (p.Ala2663Thr) results in a non-conservative amino acid change in the encoded protein sequence. Four of five in-silico tools predict a damaging effect of the variant on protein function. The variant was absent in 140276 control chromosomes. The available data on variant occurrences in the general population are insufficient to allow any conclusion about variant significance. To our knowledge, no occurrence of c.7987G>A in individuals affected with KBG Syndrome and no experimental evidence demonstrating its impact on protein function have been reported. No submitters have cited clinical-significance assessments for this variant to ClinVar. Based on the evidence outlined above, the variant was classified as uncertain significance.

NM_013275.6(ANKRD11):c.7987G>A (p.Ala2663Thr)

Gene: ANKRD11 (ankyrin repeat domain containing 11; minus strand). Cytogenetic location: 16q24.3.
Variant type: single nucleotide variant.
Coding change: c.7987G>A on transcript NM_013275.6 (MANE Select); coding-DNA position 7987, G replaced by A.
Protein change: p.Ala2663Thr; replaces alanine 2663 with threonine.
Molecular consequence: missense variant.
Genome position (GRCh38, 1-based): chr16:89,268,483, C>T on the plus strand (G>A on the coding strand, the complement: ANKRD11 is on the minus strand). VCF-style: chr16-89268483-C-T. GRCh37 (hg19) VCF-style: chr16-89334891-C-T.
Other names: c.7987G>A, p.Ala2663Thr (NM_001256182.2, NM_001256183.2); short protein forms A2663T.
Identifiers: ClinVar variation 3385094 (VCV003385094.1).
Genomic context (GRCh38, chr16:89,268,483, plus strand): 5'-GCAGTCCTGGGCAGCCGTGCGGCCCTCGCCTGCGTCCTGCGGCCGTCCCGCGGTGTCATG[C>T]CGGCAACAATACAAAGTCGTCGTTGACGTCGACCATGGGCACGTAGAAGGAGGGCACCTC-3'
Protein context (NP_037407.4, residues 2653-2663): DVNDDFVLLP[Ala2663Thr]